The following is an entry in ClinVar:

NM_032228.6(FAR1):c.398G>A (p.Arg133Gln)

Gene: FAR1 (fatty acyl-CoA reductase 1; plus strand). Cytogenetic location: 11p15.3.
Variant type: single nucleotide variant.
Coding change: c.398G>A on transcript NM_032228.6 (MANE Select); coding-DNA position 398, G replaced by A.
Protein change: p.Arg133Gln; replaces arginine 133 with glutamine.
Molecular consequence: missense variant.
Genome position (GRCh38, 1-based): chr11:13,707,932, G>A. VCF-style: chr11-13707932-G-A. GRCh37 (hg19) VCF-style: chr11-13729479-G-A.
Other names: short protein forms R133Q.
Identifiers: ClinVar variation 290391 (VCV000290391.7), dbSNP rs766755727, ClinGen allele CA5893311.

ClinVar aggregate classification (germline): Uncertain significance. Review status: criteria provided, multiple submitters, no conflicts (2 of 4 stars). 2 submissions from 2 submitters: Uncertain significance (2). Last evaluated 2024-09-29.

Allele frequency attached by ClinVar (database versions not stated): ExAC 0.00001; gnomAD 0.00001; TOPMed 0.00001; gnomAD exomes 0.00002.

Submissions (2):

Labcorp Genetics (formerly Invitae), Labcorp
Classification: Uncertain significance. Last evaluated: 2024-09-29. Review status: criteria provided, single submitter. Criteria: Invitae Variant Classification Sherloc (09022015). Collection method: clinical testing. Allele origin: germline.
Comment: This sequence change replaces arginine, which is basic and polar, with glutamine, which is neutral and polar, at codon 133 of the FAR1 protein (p.Arg133Gln). This variant is present in population databases (rs766755727, gnomAD 0.007%). This variant has not been reported in the literature in individuals affected with FAR1-related conditions. ClinVar contains an entry for this variant (Variation ID: 290391). Invitae Evidence Modeling of protein sequence and biophysical properties (such as structural, functional, and spatial information, amino acid conservation, physicochemical variation, residue mobility, and thermodynamic stability) indicates that this missense variant is not expected to disrupt FAR1 protein function with a negative predictive value of 80%. In summary, the available evidence is currently insufficient to determine the role of this variant in disease. Therefore, it has been classified as a Variant of Uncertain Significance.

Eurofins Ntd Llc (ga)
Classification: Uncertain significance. Last evaluated: 2016-08-17. Review status: criteria provided, single submitter. Criteria: EGL Classification Definitions 2015. Collection method: clinical testing. Allele origin: germline. Observed: 1 variant allele, 1 heterozygote.